The following is an entry in ClinVar:

NM_000329.3(RPE65):c.1128+1G>T

Gene: RPE65 (retinoid isomerohydrolase RPE65; minus strand). Cytogenetic location: 1p31.3.
Variant type: single nucleotide variant.
Coding change: c.1128+1G>T on transcript NM_000329.3 (MANE Select); the canonical splice donor site of the intron after coding-DNA position 1128, G replaced by T.
Molecular consequence: splice donor variant. On other transcripts: missense variant (1).
Genome position (GRCh38, 1-based): chr1:68,438,186, C>A on the plus strand (G>T on the coding strand, the complement: RPE65 is on the minus strand). VCF-style: chr1-68438186-C-A. GRCh37 (hg19) VCF-style: chr1-68903869-C-A.
Other names: c.1129G>T, p.Val377Leu (NM_001406859.1); c.852+1G>T (NM_001406857.1, NM_001406856.1); c.1020+1G>T (NM_001406853.1); short protein forms V377L.
Identifiers: ClinVar variation 4818167 (VCV004818167.1).

ClinVar aggregate classification (germline): Likely pathogenic (1 of 4 stars; one submission).

Conditions:
Leber congenital amaurosis (LCA). Also called: Leber's amaurosis. Identifiers: Orphanet 65, MedGen C0339527, MeSH D057130, MONDO:0018998.

Submission:

Natera, Inc.
Classification: Likely pathogenic for Leber congenital amaurosis. Last evaluated: 2025-12-01. Review status: criteria provided, single submitter. Criteria: Natera Variant Classification Schema (03/2026). Collection method: clinical testing. Allele origin: germline.
Comment: The c.1128+1G>T variant in RPE65 is a canonical splice donor site variant predicted to affect pre-mRNA splicing, which may result in an abnormal transcript and altered protein product. This variant is expected to result in nonsense mediated decay, truncation, or a dysfunctional protein product. This variant is rare in the general population with a frequency below the threshold expected for the associated phenotype(s). Given the available evidence, this variant is classified as Likely Pathogenic.